The following is an entry in ClinVar:

NM_001079668.3(NKX2-1):c.29G>A (p.Arg10Gln)

Genes: NKX2-1 (NK2 homeobox 1; minus strand), NKX2-1-AS1 (NKX2-1 antisense RNA 1; plus strand). Cytogenetic location: 14q13.3.
Variant type: single nucleotide variant.
Coding change: c.29G>A on transcript NM_001079668.3 (MANE Select); coding-DNA position 29, G replaced by A.
Protein change: p.Arg10Gln; replaces arginine 10 with glutamine.
Molecular consequence: missense variant.
Genome position (GRCh38, 1-based): chr14:36,520,101, C>T on the plus strand (G>A on the coding strand, the complement: NKX2-1 is on the minus strand). VCF-style: chr14-36520101-C-T. GRCh37 (hg19) VCF-style: chr14-36989306-C-T.
Other names: short protein forms R10Q.
Identifiers: ClinVar variation 313147 (VCV000313147.19), dbSNP rs201979429, ClinGen allele CA7158623.

ClinVar aggregate classification (germline): Benign/Likely benign. Review status: criteria provided, multiple submitters, no conflicts (2 of 4 stars). 7 submissions from 6 submitters: Benign (3); Likely benign (3). 1 of the submissions does not count toward it. Last evaluated 2025-12-30.

Conditions:
Benign hereditary chorea (BHC). Also called: HEREDITARY PROGRESSIVE CHOREA WITHOUT DEMENTIA; Benign Hereditary Chorea (BHC). Identifiers: Orphanet 1429, MedGen C0393584, MONDO:0021011, OMIM 118700.
Brain-lung-thyroid syndrome. Also called: Choreoathetosis, Congenital Hypothyroidism, and Neonatal Respiratory Distress Syndrome (Brain-Lung-Thyroid Syndrome); Choreoathetosis, congenital hypothyroidism, and neonatal respiratory distress; CHOREOATHETOSIS AND CONGENITAL HYPOTHYROIDISM WITH PULMONARY DYSFUNCTION. Identifiers: Orphanet 209905, MedGen C1970269, MONDO:0012593, OMIM 610978.
NKX2-1-Related Disorders. Also called: NKX2-1-related disorder. Identifiers: MedGen CN381057.

Allele frequency attached by ClinVar (database versions not stated): TOPMed 0.00057; 1000 Genomes Project 0.00060; 1000 Genomes Project 30x 0.00062; ESP Exome Variant Server 0.00065; ExAC 0.00076; gnomAD 0.00048 and 0.00052.
gnomAD v4.1: 854 of 1,613,170 alleles (0.053%); highest among the groups gnomAD compares: Middle Eastern, 0.13%; 4 homozygotes.

Submissions (7):

Labcorp Genetics (formerly Invitae), Labcorp
Classification: Likely benign. Last evaluated: 2025-12-30. Review status: criteria provided, single submitter. Criteria: Invitae Variant Classification Sherloc (09022015). Collection method: clinical testing. Allele origin: germline.

Blueprint Genetics
Classification: Likely benign. Last evaluated: 2024-09-24. Review status: criteria provided, single submitter. Criteria: ACMG Guidelines, 2015. Collection method: clinical testing. Allele origin: germline.

GeneDx
Classification: Benign. Last evaluated: 2020-03-24. Review status: criteria provided, single submitter. Criteria: GeneDx Variant Classification Process June 2021. Collection method: clinical testing. Allele origin: germline. Affected: yes.

Johns Hopkins Genomics, Johns Hopkins University
Classification: Likely benign for Brain-lung-thyroid syndrome. Last evaluated: 2019-04-18. Review status: criteria provided, single submitter. Criteria: ACMG Guidelines, 2015. Collection method: clinical testing. Allele origin: germline.

Illumina Laboratory Services, Illumina
Classification: Benign for Benign hereditary chorea. Last evaluated: 2018-01-13. Review status: criteria provided, single submitter. Criteria: ICSL Variant Classification Criteria 13 December 2019. Collection method: clinical testing. Allele origin: germline.
Comment: This variant was observed in the ICSL laboratory as part of a predisposition screen in an ostensibly healthy population. It had not been previously curated by ICSL or reported in the Human Gene Mutation Database (HGMD: prior to June 1st, 2018), and was therefore a candidate for classification through an automated scoring system. Utilizing variant allele frequency, disease prevalence and penetrance estimates, and inheritance mode, an automated score was calculated to assess if this variant is too frequent to cause the disease. Based on the score and internal cut-off values, a variant classified as benign is not then subjected to further curation. The score for this variant resulted in a classification of benign for this disease.

Illumina Laboratory Services, Illumina
Classification: Benign for Brain-lung-thyroid syndrome. Last evaluated: 2018-01-13. Review status: criteria provided, single submitter. Criteria: ICSL Variant Classification Criteria 13 December 2019. Collection method: clinical testing. Allele origin: germline.
Comment: the same text as in the submission from Illumina Laboratory Services, Illumina above.

PreventionGenetics, part of Exact Sciences
Classification: Benign for NKX2-1-related condition. Last evaluated: 2024-09-25. Review status: no assertion criteria provided. Collection method: clinical testing. Allele origin: germline. Not counted in ClinVar's aggregate classification.
Comment: This variant is classified as benign based on ACMG/AMP sequence variant interpretation guidelines (Richards et al. 2015 PMID: 25741868, with internal and published modifications).